The following is an entry in ClinVar:

ClinVar aggregate classification (germline): Uncertain significance (1 of 4 stars; one submission).

Submission:

GeneDx
Classification: Uncertain significance. Last evaluated: 2024-02-01. Review status: criteria provided, single submitter. Criteria: GeneDx Variant Classification Process June 2021. Collection method: clinical testing. Allele origin: germline. Affected: yes.
Comment: Not observed at significant frequency in large population cohorts (gnomAD); In silico analysis supports a deleterious effect on splicing; Has not been previously published as pathogenic or benign to our knowledge

NM_170675.5(MEIS2):c.388-3C>G

Gene: MEIS2 (Meis homeobox 2; minus strand). Cytogenetic location: 15q14.
Variant type: single nucleotide variant.
Coding change: c.388-3C>G on transcript NM_170675.5 (MANE Select); 3 bases into the intron before coding-DNA position 388, C replaced by G.
Molecular consequence: intron variant.
Genome position (GRCh38, 1-based): chr15:37,095,617, G>C on the plus strand (C>G on the coding strand, the complement: MEIS2 is on the minus strand). VCF-style: chr15-37095617-G-C. GRCh37 (hg19) VCF-style: chr15-37387818-G-C.
Other names: c.349-3C>G (NM_002399.4, NM_172315.3); c.388-3C>G (NM_001220482.2, NM_170676.5, NM_170674.5 and 1 more transcripts); c.124-3C>G (NM_172316.3).
Identifiers: ClinVar variation 3368733 (VCV003368733.1).